The following is an entry in ClinVar:

ClinVar aggregate classification (germline): Pathogenic/Likely pathogenic. Review status: criteria provided, multiple submitters, no conflicts (2 of 4 stars). 6 submissions from 6 submitters: Pathogenic (1); Likely pathogenic (5). Last evaluated 2026-08-19.

Conditions:
Inherited breast cancer and ovarian cancer.
Hereditary cancer-predisposing syndrome. Also called: Hereditary Cancer Syndrome; Hereditary neoplastic syndrome; Neoplastic Syndromes, Hereditary; Tumor predisposition. Identifiers: Orphanet 140162, MedGen C0027672, MeSH D009386, MONDO:0015356.
Familial cancer of breast. Also called: hereditary breast carcinoma; BREAST CANCER, FAMILIAL; Hereditary breast cancer. Identifiers: Orphanet 227535, MedGen C0346153, MONDO:0016419, OMIM 114480. Disease mechanism: loss of function.

Submissions (6):

Genetics Laboratory, Great Ormond Street Hospital NHS Foundation Trust, North Thames Genomic Laboratory Hub
Classification: Likely pathogenic for Inherited breast cancer and ovarian cancer. Last evaluated: 2026-08-19. Review status: criteria provided, single submitter. Criteria: CanVIG PALB2 Gene Specific V1.2. Collection method: clinical testing. Allele origin: germline. Affected: yes.
Comment: PM2_supporting, PVS1_very-strong

Center for Genomic Medicine, Rigshospitalet, Copenhagen University Hospital
Classification: Likely pathogenic. Last evaluated: 2025-12-29. Review status: criteria provided, single submitter. Criteria: ACMG Guidelines, 2015. Collection method: clinical testing. Allele origin: germline.
Comment: Classification criteria: PVS1, PM2_supporting

Ambry Genetics
Classification: Likely pathogenic for Hereditary cancer-predisposing syndrome. Last evaluated: 2024-11-07. Review status: criteria provided, single submitter. Criteria: Ambry Variant Classification Scheme 2023. Collection method: clinical testing. Allele origin: germline.
Comment: The p.M1? variant (also known as c.2T>G) is located in coding exon 1 of the PALB2 gene and results from a T to G substitution at nucleotide position 2. This alters the methionine residue at the initiation codon (ATG). This variant is considered to be rare based on population cohorts in the Genome Aggregation Database (gnomAD). This amino acid position is highly conserved in available vertebrate species. Sequence variations that modify the initiation codon are expected to result in either loss of translation initiation, N-terminal truncation, or cause a shift in the mRNA reading frame. Based on the majority of available evidence to date, this variant is likely to be pathogenic.

Quest Diagnostics Nichols Institute San Juan Capistrano
Classification: Likely pathogenic. Last evaluated: 2024-09-17. Review status: criteria provided, single submitter. Criteria: Quest Diagnostics criteria. Collection method: clinical testing. Allele origin: unknown.
Comment: The PALB2 c.2T>G variant disrupts the translation initiation codon of the PALB2 mRNA and is predicted to interfere with PALB2 protein synthesis. This variant has been reported in the published literature to reside in a region of the gene that is important for proper PALB2 protein interactions, homology directed repair activity, and gene interactions between PALB2, BRCA1, BRCA2, RAD51, and KEAP1 (PMIDs: 26649820 (2015), 24998779 (2014), 19369211 (2009)). While this variant, to the best of our knowledge, has not been reported in individuals with PALB2-related cancers, other variants that disrupt the initiation codon have been seen in individuals with breast cancer (PMID: 31173646 (2019)), pancreatic cancer (PMID: 31871297 (2020)), bile duct cancer (PMID: 31263571 (2019)), and glioblastoma multiforme (PMID: 29625052 (2018)). This variant has not been reported in large, multi-ethnic general populations (Genome Aggregation Database). Based on the available information, this variant is classified as likely pathogenic.

Labcorp Genetics (formerly Invitae), Labcorp
Classification: Pathogenic for Familial cancer of breast. Last evaluated: 2023-10-03. Review status: criteria provided, single submitter. Criteria: Invitae Variant Classification Sherloc (09022015). Collection method: clinical testing. Allele origin: germline.
Comment: This sequence change affects the initiator methionine of the PALB2 mRNA. The next in-frame methionine is located at codon 296. This variant is not present in population databases (gnomAD no frequency). Disruption of the initiator codon has been observed in individual(s) with bile duct cancer, breast cancer, glioblastoma multiforme, and/or pancreatic cancer (PMID: 29625052, 31173646, 31263571, 31871297). ClinVar contains an entry for this variant (Variation ID: 1798683). If translation initiation is rescued by the downstream methionine at codon 296, this would result in loss of the coiled-coil domain (p.Leu9-Glu42) of the PALB2 protein, which is critical for the interaction between BRCA1/BRCA2, and necessary for homology-directed DNA repair (PMID: 16793542, 19369211, 26649820, 25099575). This variant disrupts a region of the PALB2 protein in which other variant(s) (p.Leu35Pro) have been determined to be pathogenic (PMID: 28319063, 30337689, 31586400). This suggests that this is a clinically significant region of the protein, and that variants that disrupt it are likely to be disease-causing. For these reasons, this variant has been classified as Pathogenic.

Myriad Genetics, Inc.
Classification: Likely pathogenic for Familial cancer of breast. Last evaluated: 2023-09-06. Review status: criteria provided, single submitter. Criteria: Myriad Autosomal Dominant, Autosomal Recessive and X-Linked Classification Criteria (2023). Collection method: clinical testing. Allele origin: unknown.
Comment: This variant is considered likely pathogenic. This variant is located within the gene translation start codon (p.Met1?) and is predicted to result in abnormal protein translation.

Literature cited by the submitters: PubMed 31263571 (cited by 3 submitters); PubMed 31173646 (cited by 3 submitters); PubMed 31871297 (cited by Quest Diagnostics Nichols Institute San Juan Capistrano and Labcorp Genetics (formerly Invitae), Labcorp); PubMed 29625052 (cited by Quest Diagnostics Nichols Institute San Juan Capistrano and Labcorp Genetics (formerly Invitae), Labcorp); PubMed 24998779 (cited by Quest Diagnostics Nichols Institute San Juan Capistrano); PubMed 19369211 (cited by Quest Diagnostics Nichols Institute San Juan Capistrano and Labcorp Genetics (formerly Invitae), Labcorp); PubMed 26649820 (cited by Quest Diagnostics Nichols Institute San Juan Capistrano and Labcorp Genetics (formerly Invitae), Labcorp); PubMed 28319063 (cited by Quest Diagnostics Nichols Institute San Juan Capistrano and Labcorp Genetics (formerly Invitae), Labcorp); PubMed 30337689 (cited by Quest Diagnostics Nichols Institute San Juan Capistrano and Labcorp Genetics (formerly Invitae), Labcorp); PubMed 31586400 (cited by Quest Diagnostics Nichols Institute San Juan Capistrano and Labcorp Genetics (formerly Invitae), Labcorp); PubMed 16793542 (cited by Labcorp Genetics (formerly Invitae), Labcorp); PubMed 25099575 (cited by Labcorp Genetics (formerly Invitae), Labcorp).

NM_024675.4(PALB2):c.2T>G (p.Met1Arg)

Gene: PALB2 (partner and localizer of BRCA2; minus strand). Cytogenetic location: 16p12.2.
Variant type: single nucleotide variant.
Coding change: c.2T>G on transcript NM_024675.4 (MANE Select); coding-DNA position 2, T replaced by G.
Protein change: p.Met1Arg; changes the start codon (methionine 1).
Molecular consequence: missense variant, initiator codon variant.
Genome position (GRCh38, 1-based): chr16:23,641,156, A>C on the plus strand (T>G on the coding strand, the complement: PALB2 is on the minus strand). VCF-style: chr16-23641156-A-C. GRCh37 (hg19) VCF-style: chr16-23652477-A-C.
Other names: c.2T>G, p.Met1Arg (NM_001407296.1, NM_001407297.1, NM_001407298.1 and 5 more transcripts); c.-1742T>G (NM_001407304.1, NM_001407310.1); c.-1018T>G (NM_001407305.1, NM_001407307.1, NM_001407309.1 and 1 more transcripts); c.-867T>G (NM_001407306.1, NM_001407308.1); c.-151T>G (NM_001407312.1, NM_001407313.1); short protein forms M1R.
Identifiers: ClinVar variation 1798683 (VCV001798683.13), dbSNP rs756519825, ClinGen allele CA395141286.